The following is an entry in ClinVar:

ClinVar aggregate classification (germline): Uncertain significance (1 of 4 stars; one submission).

Conditions:
Heterotopia, periventricular, X-linked dominant (PVNH1). Also called: PERIVENTRICULAR NODULAR HETEROTOPIA 4; HETEROTOPIA, PERIVENTRICULAR, 1; PERIVENTRICULAR NODULAR HETEROTOPIA 1; X-linked periventricular heterotopia. Identifiers: Orphanet 2149, Orphanet 82004, MedGen C1848213, MONDO:0010233, OMIM 300049.
Oto-palato-digital syndrome, type II (OPD2). Also called: Otopalatodigital Syndrome, Type II; FACIOPALATOOSSEOUS SYNDROME; OPD II SYNDROME; Otopalatodigital Syndrome Type 2 (FLNA-OPD2). Identifiers: Orphanet 669, Orphanet 90652, MedGen C1844696, MONDO:0010571, OMIM 304120.
Melnick-Needles syndrome (MNS). Also called: MELNICK-NEEDLES OSTEODYSPLASTY; OSTEODYSPLASTY OF MELNICK AND NEEDLES; Melnick-Needles Syndrome (FLNA-MNS). Identifiers: Orphanet 2484, MedGen C0025237, MONDO:0010650, OMIM 309350.
Frontometaphyseal dysplasia (FMD1). Identifiers: Orphanet 1826, MedGen C0265293, MONDO:0015942.

Submission:

Labcorp Genetics (formerly Invitae), Labcorp
Classification: Uncertain significance for Oto-palato-digital syndrome, type II; Heterotopia, periventricular, X-linked dominant; Frontometaphyseal dysplasia; Melnick-Needles syndrome. Last evaluated: 2026-01-18. Review status: criteria provided, single submitter. Criteria: Invitae Variant Classification Sherloc (09022015). Collection method: clinical testing. Allele origin: germline.
Comment: This sequence change replaces aspartic acid, which is acidic and polar, with glutamic acid, which is acidic and polar, at codon 1142 of the FLNA protein (p.Asp1142Glu). This variant is not present in population databases (gnomAD no frequency). This variant has not been reported in the literature in individuals affected with FLNA-related conditions. Invitae Evidence Modeling of protein sequence and biophysical properties (such as structural, functional, and spatial information, amino acid conservation, physicochemical variation, residue mobility, and thermodynamic stability) indicates that this missense variant is not expected to disrupt FLNA protein function with a negative predictive value of 95%. In summary, the available evidence is currently insufficient to determine the role of this variant in disease. Therefore, it has been classified as a Variant of Uncertain Significance.

NM_001110556.2(FLNA):c.3426C>G (p.Asp1142Glu)

Gene: FLNA (filamin A; minus strand). Cytogenetic location: Xq28.
Variant type: single nucleotide variant.
Coding change: c.3426C>G on transcript NM_001110556.2 (MANE Select); coding-DNA position 3426, C replaced by G.
Protein change: p.Asp1142Glu; replaces aspartic acid 1142 with glutamic acid.
Molecular consequence: missense variant.
Genome position (GRCh38, 1-based): chrX:154,360,369, G>C on the plus strand (C>G on the coding strand, the complement: FLNA is on the minus strand). VCF-style: chrX-154360369-G-C. GRCh37 (hg19) VCF-style: chrX-153588737-G-C.
Other names: c.3426C>G, p.Asp1142Glu (NM_001456.4); short protein forms D1142E.
Identifiers: ClinVar variation 4789589 (VCV004789589.1).